The following is an entry in ClinVar:

NM_152564.5(VPS13B):c.580+1G>T

Gene: VPS13B (vacuolar protein sorting 13 homolog B; plus strand). Cytogenetic location: 8q22.2.
Variant type: single nucleotide variant.
Coding change: c.580+1G>T on transcript NM_152564.5 (MANE Select); the canonical splice donor site of the intron after coding-DNA position 580, G replaced by T.
Molecular consequence: splice donor variant.
Genome position (GRCh38, 1-based): chr8:99,103,121, G>T. VCF-style: chr8-99103121-G-T. GRCh37 (hg19) VCF-style: chr8-100115349-G-T.
Other names: c.580+1G>T (NM_017890.5, NM_015243.3, NM_181661.3).
Identifiers: ClinVar variation 1065643 (VCV001065643.2), dbSNP rs1846848656, ClinGen allele CA371859575.

ClinVar aggregate classification (germline): Likely pathogenic. Review status: criteria provided, multiple submitters, no conflicts (2 of 4 stars). 2 submissions from 2 submitters: Likely pathogenic (2). Last evaluated 2024-01-20.

Conditions:
Cohen syndrome (COH1). Also called: PEPPER SYNDROME; Cutis verticis gyrata, retinitis pigmentosa, and sensorineural deafness. Identifiers: Orphanet 193, MedGen C0265223, MONDO:0008999, OMIM 216550.

gnomAD v4.1: 2 of 1,613,748 alleles (0.00012%); highest among the groups gnomAD compares: Non-Finnish European, 0.000085%; no homozygotes.

Submissions (2):

Fulgent Genetics
Classification: Likely pathogenic for Cohen syndrome. Last evaluated: 2024-01-20. Review status: criteria provided, single submitter. Criteria: ACMG Guidelines, 2015. Collection method: clinical testing. Allele origin: germline.

Ocular Genomics Institute, Massachusetts Eye and Ear
Classification: Likely pathogenic for Cohen syndrome. Last evaluated: 2021-04-08. Review status: criteria provided, single submitter. Criteria: ACMG Guidelines, 2015. Collection method: research. Allele origin: germline. Affected: yes.
Comment: Through a review of available evidence we were able to apply the following criteria: PVS1, PM2. Based on this evidence we have classified this variant as Likely Pathogenic.